The following is an entry in ClinVar:

ClinVar aggregate classification (germline): Uncertain significance. Review status: criteria provided, multiple submitters, no conflicts (2 of 4 stars). 2 submissions from 2 submitters: Uncertain significance (2). Last evaluated 2024-11-21.

Allele frequency attached by ClinVar (database versions not stated): gnomAD 0.00001.
gnomAD v4.1: 8 of 1,614,050 alleles (0.0005%); highest among the groups gnomAD compares: African/African-American, 0.0053%; no homozygotes.

Submissions (2):

Ambry Genetics
Classification: Uncertain significance. Last evaluated: 2024-11-21. Review status: criteria provided, single submitter. Criteria: Ambry Variant Classification Scheme 2023. Collection method: clinical testing. Allele origin: germline.
Comment: The p.R656G variant (also known as c.1966C>G), located in coding exon 13 of the RINT1 gene, results from a C to G substitution at nucleotide position 1966. The arginine at codon 656 is replaced by glycine, an amino acid with dissimilar properties. This amino acid position is conserved. In addition, the in silico prediction for this alteration is inconclusive. Since supporting evidence is limited at this time, the clinical significance of this alteration remains unclear.

Labcorp Genetics (formerly Invitae), Labcorp
Classification: Uncertain significance. Last evaluated: 2022-10-27. Review status: criteria provided, single submitter. Criteria: Invitae Variant Classification Sherloc (09022015). Collection method: clinical testing. Allele origin: germline.
Comment: Algorithms developed to predict the effect of missense changes on protein structure and function are either unavailable or do not agree on the potential impact of this missense change (SIFT: "Tolerated"; PolyPhen-2: "Probably Damaging"; Align-GVGD: "Class C0"). This sequence change replaces arginine, which is basic and polar, with glycine, which is neutral and non-polar, at codon 656 of the RINT1 protein (p.Arg656Gly). This variant is present in population databases (no rsID available, gnomAD 0.01%). This variant has not been reported in the literature in individuals affected with RINT1-related conditions. In summary, the available evidence is currently insufficient to determine the role of this variant in disease. Therefore, it has been classified as a Variant of Uncertain Significance.

NM_021930.6(RINT1):c.1966C>G (p.Arg656Gly)

Genes: EFCAB10 (EF-hand calcium binding domain 10; minus strand), RINT1 (RAD50 interactor 1; plus strand). Cytogenetic location: 7q22.3.
Variant type: single nucleotide variant.
Coding change: c.1966C>G on transcript NM_021930.6 (MANE Select); coding-DNA position 1966, C replaced by G.
Protein change: p.Arg656Gly; replaces arginine 656 with glycine.
Molecular consequence: missense variant. On other transcripts: non-coding transcript variant (1), 3 prime UTR variant (3).
Genome position (GRCh38, 1-based): chr7:105,565,356, C>G. VCF-style: chr7-105565356-C-G. GRCh37 (hg19) VCF-style: chr7-105205803-C-G.
Other names: c.943C>G, p.Arg315Gly (NM_001346600.2, NM_001346603.2); c.1042C>G, p.Arg348Gly (NM_001346601.2); c.*91G>C (NM_001355526.2); c.*193G>C (NM_001355530.2); c.*46G>C (NM_001355531.2); c.1732C>G, p.Arg578Gly (NM_001346599.2); short protein forms R348G, R315G, R578G, R656G.
Identifiers: ClinVar variation 1783523 (VCV001783523.6), dbSNP rs780062646, ClinGen allele CA368814792.
Genomic context (GRCh38, chr7:105,565,356, plus strand): 5'-CAGTCAGAGCAGGCAGTGATGTCCCTGTCCAGTTCGGCTTGCCCGTTGCTGCTGACGTTA[C>G]GAGACCATTTACTTCAGTTGGAGCAGCAGCTTTGTTTCTCCTTATTTAAAATTTTCTGGC-3'
Protein context (NP_068749.3, residues 646-666): SSACPLLLTL[Arg656Gly]DHLLQLEQQL